The following is an entry in ClinVar:

ClinVar aggregate classification (germline): Uncertain significance (1 of 4 stars; one submission).

Submission:

GeneDx
Classification: Uncertain significance. Last evaluated: 2025-02-10. Review status: criteria provided, single submitter. Criteria: GeneDx Variant Classification Process June 2021. Collection method: clinical testing. Allele origin: germline. Affected: yes.
Comment: Not observed at significant frequency in large population cohorts (gnomAD); In silico analysis supports that this missense variant has a deleterious effect on protein structure/function; Has not been previously published as pathogenic or benign to our knowledge

NM_014975.3(MAST1):c.908T>C (p.Leu303Pro)

Gene: MAST1 (microtubule associated serine/threonine kinase 1; plus strand). Cytogenetic location: 19p13.13.
Variant type: single nucleotide variant.
Coding change: c.908T>C on transcript NM_014975.3 (MANE Select); coding-DNA position 908, T replaced by C.
Protein change: p.Leu303Pro; replaces leucine 303 with proline.
Molecular consequence: missense variant.
Genome position (GRCh38, 1-based): chr19:12,852,146, T>C. VCF-style: chr19-12852146-T-C. GRCh37 (hg19) VCF-style: chr19-12962960-T-C.
Other names: short protein forms L303P.
Identifiers: ClinVar variation 4074653 (VCV004074653.1).
Genomic context (GRCh38, chr19:12,852,146, plus strand): 5'-GTGGTGAGCCCACTCCTGCCCTGCCTCAGGAATTCAACCCCGAGGAGTTCTACCACCTGC[T>C]GGAGGCGGCCGAAGGACACGCCAAGGAGGGCCACCTTGTGAAGACGGACATCCCCCGCTA-3'
Protein context (NP_055790.1, residues 293-313): EFNPEEFYHL[Leu303Pro]EAAEGHAKEG